The following is an entry in ClinVar:

NC_000012.11:g.(?_32729292)_(33049665_?)del

Genes: DNM1L (dynamin 1 like; plus strand), FGD4 (FYVE, RhoGEF and PH domain containing 4; plus strand), PKP2 (plakophilin 2; minus strand), YARS2 (tyrosyl-tRNA synthetase 2; minus strand). Cytogenetic location: 12p11.21.
Variant type: Deletion.
Identifiers: ClinVar variation 1455176 (VCV001455176.38).

ClinVar aggregate classification (germline): Pathogenic (1 of 4 stars; one submission).

Submission:

Labcorp Genetics (formerly Invitae), Labcorp
Classification: Pathogenic. Last evaluated: 2022-05-12. Review status: criteria provided, single submitter. Criteria: Invitae Variant Classification Sherloc (09022015). Collection method: clinical testing. Allele origin: germline.
Comment: A gross deletion of the genomic region encompassing the full coding sequence of the DNM1L gene has been identified. Loss-of-function variants in DNM1L are known to be pathogenic (PMID: 26825290, 27328748). The boundaries of this event are unknown as they extend beyond the assayed region for this gene and therefore may encompass additional genes. This variant has not been reported in the literature in individuals affected with DNM1L-related conditions. For these reasons, this variant has been classified as Pathogenic.

Literature cited by the submitters: PubMed 26825290; PubMed 27328748.